The following is an entry in ClinVar:

NM_000352.6(ABCC8):c.3439del (p.Leu1147fs)

Gene: ABCC8 (ATP binding cassette subfamily C member 8; minus strand). Cytogenetic location: 11p15.1.
Variant type: Deletion.
Coding change: c.3439del on transcript NM_000352.6 (MANE Select); coding-DNA position 3439, one base deleted (C; older notation c.3439delC).
Protein change: p.Leu1147fs; shifts the reading frame from leucine 1147.
Molecular consequence: frameshift variant. On other transcripts: non-coding transcript variant (1).
Genome position (GRCh38, 1-based): chr11:17,404,630, G deleted on the plus strand (C on the coding strand, the reverse complement: ABCC8 is on the minus strand); the first of 3 consecutive G bases (chr11:17,404,630-17,404,632); deleting any one gives the same sequence. VCF-style (leftmost placement, unchanged base first): chr11-17404629-AG-A. GRCh37 (hg19) VCF-style: chr11-17426176-AG-A.
Other names: c.3442del, p.Leu1148fs (NM_001287174.3); c.3505del, p.Leu1169fs (NM_001351295.2); c.3439del, p.Leu1147fs (NM_001351296.2); c.3436del, p.Leu1146fs (NM_001351297.2); short protein forms L1169fs, L1148fs, L1146fs, L1147fs.
Identifiers: ClinVar variation 1455676 (VCV001455676.6), dbSNP rs2133439017, ClinGen allele CA2573146140.
Genomic context (GRCh38, chr11:17,404,629, plus strand): 5'-AGGGCCACGAGGAACACAGGTGTGACATAGGAGATGACGGCCAGGGCTGAGACACAGAGC[AG>A]GGTGGAGCGGCTCAGGCACTCCAGCGTGGATGGGATGTGCTGAGGGAGACGAGGGGGAGA-3'

ClinVar aggregate classification (germline): Pathogenic (1 of 4 stars; one submission).

Submission:

Labcorp Genetics (formerly Invitae), Labcorp
Classification: Pathogenic. Last evaluated: 2021-04-23. Review status: criteria provided, single submitter. Criteria: Invitae Variant Classification Sherloc (09022015). Collection method: clinical testing. Allele origin: germline.
Comment: For these reasons, this variant has been classified as Pathogenic. This variant has not been reported in the literature in individuals with ABCC8-related conditions. This variant is not present in population databases (ExAC no frequency). This sequence change creates a premature translational stop signal (p.Leu1147Cysfs*61) in the ABCC8 gene. It is expected to result in an absent or disrupted protein product. Loss-of-function variants in ABCC8 are known to be pathogenic (PMID: 20685672, 23345197).

Literature cited by the submitters: PubMed 20685672; PubMed 23345197.